The following is an entry in ClinVar:

NM_000539.3(RHO):c.316G>A (p.Gly106Arg)

Gene: RHO (rhodopsin; plus strand). Cytogenetic location: 3q22.1.
Variant type: single nucleotide variant.
Coding change: c.316G>A on transcript NM_000539.3 (MANE Select); coding-DNA position 316, G replaced by A.
Protein change: p.Gly106Arg; replaces glycine 106 with arginine.
Molecular consequence: missense variant.
Genome position (GRCh38, 1-based): chr3:129,529,049, G>A. VCF-style: chr3-129529049-G-A. GRCh37 (hg19) VCF-style: chr3-129247892-G-A.
Other names: NP_000530.1:p.(Gly106Arg); short protein forms G106R.
Identifiers: ClinVar variation 13038 (VCV000013038.19), dbSNP rs104893773, ClinGen allele CA256683.

ClinVar aggregate classification (germline): Pathogenic/Likely pathogenic. Review status: criteria provided, multiple submitters, no conflicts (2 of 4 stars). 11 submissions from 11 submitters: Pathogenic (8); Likely pathogenic (1). 2 of the submissions do not count toward it. Last evaluated 2025-12-01.

Conditions:
RHO-related disorder. Also called: RHO-related condition.
Retinal dystrophy. Also called: Inherited retinal dystrophy. Identifiers: Orphanet 71862, MedGen C0854723, MeSH D058499, MONDO:0019118, HP:0000556.
Retinitis pigmentosa 4 (RP4). Also called: RETINITIS PIGMENTOSA, RHODOPSIN-RELATED. Identifiers: Orphanet 791, MedGen C3151001, MONDO:0013395, OMIM 613731.
Retinitis pigmentosa (RP). Identifiers: Orphanet 791, MedGen C0035334, MeSH D012174, MONDO:0019200, OMIM 268000. Inheritance: Autosomal dominant, autosomal recessive and X linked inheritance.

Allele frequency attached by ClinVar (database versions not stated): gnomAD exomes below 0.00001 and 0.00002; ExAC 0.00002.
gnomAD v4.1: 6 of 1,613,194 alleles (0.00037%); highest among the groups gnomAD compares: South Asian, 0.0011%; no homozygotes.

Submissions (11):

3billion
Classification: Pathogenic for Retinitis pigmentosa 4. Last evaluated: 2025-12-01. Review status: criteria provided, single submitter. Criteria: ACMG Guidelines, 2015. Collection method: clinical testing. Allele origin: germline. Affected: yes.
Comment: The variant is observed at an extremely low frequency in the gnomAD v4.1.0 dataset (total allele frequency: <0.001%). Predicted Consequence/Location: Missense variant. Missense changes are a common disease-causing mechanism. In silico tool predictions suggest damaging effect of the variant on gene or gene product [REVEL: 0.66 (>=0.6, sensitivity 0.68 and specificity 0.92); 3Cnet: 0.75 (> 0.75, sensitivity 0.96 and precision 0.92)]. The same nucleotide change resulting in the same amino acid change has been previously reported as pathogenic/likely pathogenic with strong evidence (ClinVar ID: VCV000013038 /PMID: 1301135). Different missense changes at the same codon (p.Gly106Ala, p.Gly106Trp, p.Gly106Val) have been reported as pathogenic/likely pathogenic with strong evidence (ClinVar ID: VCV000013022, VCV000802005, VCV001514513 /PMID: 1862076). Therefore, this variant is classified as Pathogenic according to the recommendation of ACMG/AMP guideline.

Labcorp Genetics (formerly Invitae), Labcorp
Classification: Pathogenic. Last evaluated: 2025-11-17. Review status: criteria provided, single submitter. Criteria: Invitae Variant Classification Sherloc (09022015). Collection method: clinical testing. Allele origin: germline.
Comment: This sequence change replaces glycine, which is neutral and non-polar, with arginine, which is basic and polar, at codon 106 of the RHO protein (p.Gly106Arg). This variant is present in population databases (rs104893773, gnomAD 0.01%). This missense change has been observed in individuals with autosomal dominant retinitis pigmentosa (PMID: 1301135, 8905849, 11094174, 28559085). It has also been observed to segregate with disease in related individuals. ClinVar contains an entry for this variant (Variation ID: 13038). Invitae Evidence Modeling of protein sequence and biophysical properties (such as structural, functional, and spatial information, amino acid conservation, physicochemical variation, residue mobility, and thermodynamic stability) indicates that this missense variant is expected to disrupt RHO protein function with a positive predictive value of 95%. Experimental studies are conflicting or provide insufficient evidence to determine the effect of this variant on RHO function (PMID: 24520188). For these reasons, this variant has been classified as Pathogenic.

Dept Of Ophthalmology, Nagoya University
Classification: Pathogenic for Retinal dystrophy. Last evaluated: 2023-10-01. Review status: criteria provided, single submitter. Criteria: Submitter's publication. Collection method: research. Allele origin: germline. Affected: yes.

Ophthalmic Genetics Group, Institute of Molecular and Clinical Ophthalmology Basel
Classification: Pathogenic for Retinitis pigmentosa. Last evaluated: 2023-07-24. Review status: criteria provided, single submitter. Criteria: ACMG Guidelines, 2015. Collection method: research. Allele origin: germline. Affected: yes. Observed: 2 variant alleles.
Comment: Clinical significance based on ACMG v2.0

This variant was classified as Pathogenic based on ACMG criteria: PS1, PM2, PM5, PM1, PP3, PP2, PP5.

Blueprint Genetics
Classification: Pathogenic for RHO-related disorders. Last evaluated: 2022-09-02. Review status: criteria provided, single submitter. Criteria: ACMG Guidelines, 2015. Collection method: clinical testing. Allele origin: germline. Affected: yes. Observed: 5 variant alleles.

Institute of Medical Genetics and Applied Genomics, University Hospital Tübingen
Classification: Pathogenic. Last evaluated: 2021-06-17. Review status: criteria provided, single submitter. Criteria: ACMG Guidelines, 2015. Collection method: clinical testing. Allele origin: germline. Inheritance: Autosomal dominant inheritance. Affected: yes.

Ocular Genomics Institute, Massachusetts Eye and Ear
Classification: Pathogenic for Retinitis pigmentosa 4. Last evaluated: 2021-04-08. Review status: criteria provided, single submitter. Criteria: ACMG Guidelines, 2015. Collection method: research. Allele origin: germline. Affected: yes.
Comment: Through a review of available evidence we were able to apply the following criteria: PM2, PP3, PP1-S, PS3. Based on this evidence we have classified this variant as Pathogenic.

Institute of Human Genetics, Univ. Regensburg, Univ. Regensburg
Classification: Pathogenic for Retinal dystrophy. Last evaluated: 2021-01-01. Review status: criteria provided, single submitter. Criteria: ACMG Guidelines, 2015. Collection method: clinical testing. Allele origin: germline. Affected: yes.

Centre for Genomic Medicine, Manchester, Central Manchester University Hospitals
Classification: Likely pathogenic for Retinitis pigmentosa 4. Last evaluated: 2020-09-01. Review status: criteria provided, single submitter. Criteria: ACMG Guidelines, 2015. Collection method: clinical testing. Allele origin: germline. Affected: yes. Observed: 3 heterozygotes.

Department of Clinical Genetics, Copenhagen University Hospital, Rigshospitalet
Classification: Pathogenic for Retinitis pigmentosa. Last evaluated: 2018-04-01. Review status: no assertion criteria provided. Collection method: research. Allele origin: unknown. Affected: yes. Study: VeluxRD. Not counted in ClinVar's aggregate classification.

OMIM
Classification: Pathogenic for RETINITIS PIGMENTOSA 4. Last evaluated: 1993-08-01. Review status: no assertion criteria provided. Collection method: literature only. Allele origin: germline. Not counted in ClinVar's aggregate classification.

Literature cited by the submitters: PubMed 1301135 (cited by 4 submitters); PubMed 1862076 (cited by 3billion); PubMed 8905849 (cited by Labcorp Genetics (formerly Invitae), Labcorp and Ocular Genomics Institute, Massachusetts Eye and Ear); PubMed 11094174 (cited by Labcorp Genetics (formerly Invitae), Labcorp and Ocular Genomics Institute, Massachusetts Eye and Ear); PubMed 28559085 (cited by 3 submitters); PubMed 24520188 (cited by 3 submitters); PubMed 36909829 (cited by Ophthalmic Genetics Group, Institute of Molecular and Clinical Ophthalmology Basel); PubMed 30718709 (cited by Ocular Genomics Institute, Massachusetts Eye and Ear and Department of Clinical Genetics, Copenhagen University Hospital, Rigshospitalet); PubMed 8328469 (cited by Ocular Genomics Institute, Massachusetts Eye and Ear and OMIM); PubMed 1580841 (cited by Ocular Genomics Institute, Massachusetts Eye and Ear and OMIM); PubMed 10521250 (cited by Institute of Human Genetics, Univ. Regensburg, Univ. Regensburg); PubMed 11139241 (cited by Institute of Human Genetics, Univ. Regensburg, Univ. Regensburg); PubMed 21094163 (cited by Institute of Human Genetics, Univ. Regensburg, Univ. Regensburg); PubMed 27654411 (cited by Institute of Human Genetics, Univ. Regensburg, Univ. Regensburg); PubMed 28981474 (cited by Institute of Human Genetics, Univ. Regensburg, Univ. Regensburg); PubMed 29847639 (cited by Institute of Human Genetics, Univ. Regensburg, Univ. Regensburg); PubMed 31054281 (cited by Institute of Human Genetics, Univ. Regensburg, Univ. Regensburg); PubMed 30910914 (cited by Institute of Human Genetics, Univ. Regensburg, Univ. Regensburg); PubMed 31213501 (cited by Institute of Human Genetics, Univ. Regensburg, Univ. Regensburg); PubMed 31717845 (cited by Institute of Human Genetics, Univ. Regensburg, Univ. Regensburg); PubMed 30977563 (cited by Institute of Human Genetics, Univ. Regensburg, Univ. Regensburg); PubMed 32036094 (cited by Institute of Human Genetics, Univ. Regensburg, Univ. Regensburg); PubMed 33576794 (cited by Institute of Human Genetics, Univ. Regensburg, Univ. Regensburg); PubMed 32795431 (cited by Institute of Human Genetics, Univ. Regensburg, Univ. Regensburg); PubMed 33347869 (cited by Institute of Human Genetics, Univ. Regensburg, Univ. Regensburg); PubMed 34996991 (cited by Institute of Human Genetics, Univ. Regensburg, Univ. Regensburg).